The following is an entry in ClinVar:

NM_015466.4(PTPN23):c.4039_4040del (p.Leu1347fs)

Gene: PTPN23 (protein tyrosine phosphatase non-receptor type 23; plus strand). Cytogenetic location: 3p21.31.
Variant type: Microsatellite.
Coding change: c.4039_4040del on transcript NM_015466.4 (MANE Select); coding-DNA positions 4039 to 4040, 2 bases deleted (CT; older notation c.4039_4040delCT).
Protein change: p.Leu1347fs; shifts the reading frame from leucine 1347.
Molecular consequence: frameshift variant.
Genome position (GRCh38, 1-based): chr3:47,411,933-47,411,934, CT deleted; deleting any 2 consecutive bases within chr3:47,411,929-47,411,934 gives the same sequence; the c. name uses the placement nearest the transcript's 3' end. VCF-style (leftmost placement, unchanged base first): chr3-47411928-GCT-G. GRCh37 (hg19) VCF-style: chr3-47453418-GCT-G.
Other names: c.3661_3662del, p.Leu1221fs (NM_001304482.2); short protein forms L1221fs, L1347fs.
Identifiers: ClinVar variation 1489003 (VCV001489003.6), dbSNP rs2107726546, ClinGen allele CA2580614224.
Genomic context (GRCh38, chr3:47,411,928, plus strand): 5'-GCACCGAAACCCATGTGGAGCGCGTGCTGAGCCTGCAGTTCCGAGACCAGAGCCTCAAGC[GCT>G]CTCTTGTGCACCTGCACTTCCCCACTTGGCCTGAGTTGTGAGTCCACTGCTCTGGATGGT-3'

ClinVar aggregate classification (germline): Pathogenic (1 of 4 stars; one submission).

Submission:

Labcorp Genetics (formerly Invitae), Labcorp
Classification: Pathogenic. Last evaluated: 2024-01-02. Review status: criteria provided, single submitter. Criteria: Invitae Variant Classification Sherloc (09022015). Collection method: clinical testing. Allele origin: germline.
Comment: This sequence change creates a premature translational stop signal (p.Leu1347Cysfs*10) in the PTPN23 gene. It is expected to result in an absent or disrupted protein product. Loss-of-function variants in PTPN23 are known to be pathogenic (PMID: 29090338, 29899372). This variant is not present in population databases (gnomAD no frequency). This variant has not been reported in the literature in individuals affected with PTPN23-related conditions. For these reasons, this variant has been classified as Pathogenic.

Literature cited by the submitters: PubMed 29090338; PubMed 29899372.